The following is an entry in ClinVar:

NM_004453.4(ETFDH):c.1067G>A (p.Gly356Glu)

Gene: ETFDH (electron transfer flavoprotein dehydrogenase; plus strand). Cytogenetic location: 4q32.1.
Variant type: single nucleotide variant.
Coding change: c.1067G>A on transcript NM_004453.4 (MANE Select); coding-DNA position 1067, G replaced by A.
Protein change: p.Gly356Glu; replaces glycine 356 with glutamic acid.
Molecular consequence: missense variant.
Genome position (GRCh38, 1-based): chr4:158,699,081, G>A. VCF-style: chr4-158699081-G-A. GRCh37 (hg19) VCF-style: chr4-159620233-G-A.
Other names: c.926G>A, p.Gly309Glu (NM_001281737.2); c.884G>A, p.Gly295Glu (NM_001281738.1); c.1067G>A (NM_004453.3); short protein forms G309E, G356E, G295E.
Identifiers: ClinVar variation 4747422 (VCV004747422.2).

ClinVar aggregate classification (germline): Pathogenic/Likely pathogenic. Review status: criteria provided, multiple submitters, no conflicts (2 of 4 stars). 2 submissions from 2 submitters: Pathogenic (1); Likely pathogenic (1). Last evaluated 2025-12-06.

Conditions:
Multiple acyl-CoA dehydrogenase deficiency (MADD). Also called: Glutaric aciduria, type 2; Glutaric acidemia type II; GA 2; ETHYLMALONIC-ADIPICACIDURIA; GA II; Glutaric Acidemia type 2. Identifiers: Orphanet 26791, MedGen C0268596, MONDO:0009282, OMIM 231680.
Glutaric acidemia type 2C.

gnomAD v4.1: 1 of 1,614,006 alleles (0.000062%); no homozygotes.

Submissions (2):

Labcorp Genetics (formerly Invitae), Labcorp
Classification: Pathogenic for Multiple acyl-CoA dehydrogenase deficiency. Last evaluated: 2025-12-06. Review status: criteria provided, single submitter. Criteria: Invitae Variant Classification Sherloc (09022015). Collection method: clinical testing. Allele origin: germline.
Comment: This sequence change replaces glycine, which is neutral and non-polar, with glutamic acid, which is acidic and polar, at codon 356 of the ETFDH protein (p.Gly356Glu). This variant is not present in population databases (gnomAD no frequency). This missense change has been observed in individual(s) with multiple acyl-CoA dehydrogenase deficiency (PMID: 29249369). In at least one individual the data is consistent with being in trans (on the opposite chromosome) from a pathogenic variant. Invitae Evidence Modeling of protein sequence and biophysical properties (such as structural, functional, and spatial information, amino acid conservation, physicochemical variation, residue mobility, and thermodynamic stability) indicates that this missense variant is expected to disrupt ETFDH protein function with a positive predictive value of 80%. This variant disrupts the p.Gly356 amino acid residue in ETFDH. Other variant(s) that disrupt this residue have been determined to be pathogenic (internal data). This suggests that this residue is clinically significant, and that variants that disrupt this residue are likely to be disease-causing. For these reasons, this variant has been classified as Pathogenic.

Natera, Inc.
Classification: Likely pathogenic for Glutaric acidemia type 2C. Last evaluated: 2025-02-26. Review status: criteria provided, single submitter. Criteria: Natera Variant Classification Schema (03/2026). Collection method: clinical testing. Allele origin: germline.
Comment: The c.1067G>A variant in ETFDH is a missense variant predicted to cause substitution of glycine to glutamic acid at amino acid 356. This variant is rare in the general population with a frequency below the threshold expected for the associated phenotype(s). This variant has been observed in one or more individuals affected with the associated recessive disease, as either homozygous or compound heterozygous with a second variant (PMID: 38221620, 29249369). Computational prediction algorithms indicate this variant is likely to affect gene or protein function. Given the available evidence, this variant is classified as Likely Pathogenic.

Literature cited by the submitters: PubMed 29249369 (cited by Labcorp Genetics (formerly Invitae), Labcorp and Natera, Inc.); PubMed 38221620 (cited by Natera, Inc.).